The following is an entry in ClinVar:

NM_015346.4(ZFYVE26):c.6135C>T (p.Ala2045=)

Gene: ZFYVE26 (zinc finger FYVE-type containing 26; minus strand). Cytogenetic location: 14q24.1.
Variant type: single nucleotide variant.
Coding change: c.6135C>T on transcript NM_015346.4 (MANE Select); coding-DNA position 6135, C replaced by T.
Protein change: p.Ala2045=; no amino-acid change (alanine 2045 retained).
Molecular consequence: synonymous variant.
Genome position (GRCh38, 1-based): chr14:67,762,696, G>A on the plus strand (C>T on the coding strand, the complement: ZFYVE26 is on the minus strand). VCF-style: chr14-67762696-G-A. GRCh37 (hg19) VCF-style: chr14-68229413-G-A.
Identifiers: ClinVar variation 313883 (VCV000313883.16), dbSNP rs146209388, ClinGen allele CA7239308.
Genomic context (GRCh38, chr14:67,762,696, plus strand): 5'-GGGTGGAAGTAAGCTTTGTCTTTGTCTTTGTCTCACCTCAACGCCCAGTTGGTAGTACTC[G>A]GCTTCCAAAAGCTGGTTCCTTAGCCTGGTTACTGCAGCTGGCTGCAAGATCTGATCCAAA-3'
Protein context (NP_056161.2, residues 2035-2055): VTRLRNQLLE[Ala2045=]EYYQLGVEVS

ClinVar aggregate classification (germline): Conflicting classifications of pathogenicity. Review status: criteria provided, conflicting classifications (1 of 4 stars). 4 submissions from 4 submitters: Uncertain significance (1); Likely benign (3). Last evaluated 2025-01-23.

Conditions:
Spastic paraplegia. Identifiers: MedGen C0037772, HP:0001258.
Hereditary spastic paraplegia 15 (SPG15). Also called: KJELLIN SYNDROME; SPASTIC PARAPLEGIA 15, AUTOSOMAL RECESSIVE; SPASTIC PARAPLEGIA AND RETINAL DEGENERATION. Identifiers: Orphanet 100996, MedGen C1849128, MONDO:0010044, OMIM 270700.

Allele frequency attached by ClinVar (database versions not stated): ExAC 0.00002; gnomAD exomes 0.00002 and 0.00004; ESP Exome Variant Server 0.00008; gnomAD 0.00008 and 0.00009; TOPMed 0.00008.

Submissions (4):

Labcorp Genetics (formerly Invitae), Labcorp
Classification: Likely benign for Spastic paraplegia. Last evaluated: 2025-01-23. Review status: criteria provided, single submitter. Criteria: Invitae Variant Classification Sherloc (09022015). Collection method: clinical testing. Allele origin: germline.

Blueprint Genetics
Classification: Likely benign. Last evaluated: 2024-09-18. Review status: criteria provided, single submitter. Criteria: ACMG Guidelines, 2015. Collection method: clinical testing. Allele origin: germline.

Illumina Laboratory Services, Illumina
Classification: Uncertain significance for Hereditary spastic paraplegia 15. Last evaluated: 2018-01-12. Review status: criteria provided, single submitter. Criteria: ICSL Variant Classification Criteria 13 December 2019. Collection method: clinical testing. Allele origin: germline.

GeneDx
Classification: Likely benign. Last evaluated: 2017-01-15. Review status: criteria provided, single submitter. Criteria: GeneDx Variant Classification (06012015). Collection method: clinical testing. Allele origin: germline. Affected: yes.
Comment: This variant is considered likely benign or benign based on one or more of the following criteria: it is a conservative change, it occurs at a poorly conserved position in the protein, it is predicted to be benign by multiple in silico algorithms, and/or has population frequency not consistent with disease.